The following is an entry in ClinVar:

NM_015311.3(OBSL1):c.4483C>T (p.Arg1495Cys)

Gene: OBSL1 (obscurin like cytoskeletal adaptor 1; minus strand). Cytogenetic location: 2q35.
Variant type: single nucleotide variant.
Coding change: c.4483C>T on transcript NM_015311.3 (MANE Select); coding-DNA position 4483, C replaced by T.
Protein change: p.Arg1495Cys; replaces arginine 1495 with cysteine.
Molecular consequence: missense variant.
Genome position (GRCh38, 1-based): chr2:219,556,146, G>A on the plus strand (C>T on the coding strand, the complement: OBSL1 is on the minus strand). VCF-style: chr2-219556146-G-A. GRCh37 (hg19) VCF-style: chr2-220420868-G-A.
Other names: c.4483C>T, p.Arg1495Cys (NM_001173431.2); c.4483C>T (NM_015311.2); short protein forms R1495C.
Identifiers: ClinVar variation 1395292 (VCV001395292.10), dbSNP rs369117003, ClinGen allele CA2130529.

ClinVar aggregate classification (germline): Uncertain significance. Review status: criteria provided, multiple submitters, no conflicts (2 of 4 stars). 4 submissions from 4 submitters: Uncertain significance (3). 1 of the submissions does not count toward it. Last evaluated 2024-11-25.

Conditions:
OBSL1-related disorder. Also called: OBSL1-related condition.
Inborn genetic diseases. Identifiers: MedGen C0950123, MeSH D030342.

Allele frequency attached by ClinVar (database versions not stated): gnomAD exomes 0.00003 and 0.00005; ExAC 0.00006; ESP Exome Variant Server 0.00008; gnomAD 0.00009 and 0.00010; TOPMed 0.00010; 1000 Genomes Project 30x 0.00016; 1000 Genomes Project 0.00020.
gnomAD v4.1: 62 of 1,613,844 alleles (0.0038%); highest among the groups gnomAD compares: East Asian, 0.062%; no homozygotes.

Submissions (4):

Labcorp Genetics (formerly Invitae), Labcorp
Classification: Uncertain significance. Last evaluated: 2024-11-25. Review status: criteria provided, single submitter. Criteria: Invitae Variant Classification Sherloc (09022015). Collection method: clinical testing. Allele origin: germline.
Comment: This sequence change replaces arginine, which is basic and polar, with cysteine, which is neutral and slightly polar, at codon 1495 of the OBSL1 protein (p.Arg1495Cys). This variant is present in population databases (rs369117003, gnomAD 0.04%). This variant has not been reported in the literature in individuals affected with OBSL1-related conditions. ClinVar contains an entry for this variant (Variation ID: 1395292). An algorithm developed to predict the effect of missense changes on protein structure and function (PolyPhen-2) suggests that this variant is likely to be disruptive. In summary, the available evidence is currently insufficient to determine the role of this variant in disease. Therefore, it has been classified as a Variant of Uncertain Significance.

Blueprint Genetics
Classification: Uncertain significance. Last evaluated: 2024-11-06. Review status: criteria provided, single submitter. Criteria: ACMG Guidelines, 2015. Collection method: clinical testing. Allele origin: germline.

Ambry Genetics
Classification: Uncertain significance for Inborn genetic diseases. Last evaluated: 2021-08-02. Review status: criteria provided, single submitter. Criteria: Ambry Variant Classification Scheme 2023. Collection method: clinical testing. Allele origin: germline.

PreventionGenetics, part of Exact Sciences
Classification: Uncertain significance for OBSL1-related condition. Last evaluated: 2024-01-12. Review status: no assertion criteria provided. Collection method: clinical testing. Allele origin: germline. Not counted in ClinVar's aggregate classification.
Comment: The OBSL1 c.4483C>T variant is predicted to result in the amino acid substitution p.Arg1495Cys. To our knowledge, this variant has not been reported in the literature. This variant is reported in 0.042% of alleles in individuals of African descent in gnomAD. At this time, the clinical significance of this variant is uncertain due to the absence of conclusive functional and genetic evidence.